The following is an entry in ClinVar:

NM_000487.6(ARSA):c.*992G>A

Gene: ARSA (arylsulfatase A; minus strand). Cytogenetic location: 22q13.33.
Variant type: single nucleotide variant.
Coding change: c.*992G>A on transcript NM_000487.6 (MANE Select); 992 bases downstream of the stop codon, G replaced by A.
Molecular consequence: 3 prime UTR variant.
Genome position (GRCh38, 1-based): chr22:50,624,153, C>T on the plus strand (G>A on the coding strand, the complement: ARSA is on the minus strand). VCF-style: chr22-50624153-C-T. GRCh37 (hg19) VCF-style: chr22-51062581-C-T.
Other names: c.*992G>A (NM_001085425.3, NM_001085426.3, NM_001085427.3 and 2 more transcripts).
Identifiers: ClinVar variation 900765 (VCV000900765.4), dbSNP rs376910590, ClinGen allele CA325530909.

ClinVar aggregate classification (germline): Benign (1 of 4 stars; one submission).

Conditions:
Metachromatic leukodystrophy (MLD). Also called: Cerebral sclerosis diffuse metachromatic form; Arylsulfatase A Deficiency; ARSA DEFICIENCY; CEREBROSIDE SULFATASE DEFICIENCY; METACHROMATIC LEUKOENCEPHALOPATHY; SULFATIDE LIPIDOSIS. Identifiers: Orphanet 512, MedGen C0023522, MONDO:0018868, OMIM 250100.

Allele frequency attached by ClinVar (database versions not stated): gnomAD 0.00717 and 0.00843; TOPMed 0.00781; 1000 Genomes Project 30x 0.01046; 1000 Genomes Project 0.01058.
gnomAD v4.1: 1,272 of 152,080 alleles (0.84%); highest among the groups gnomAD compares: South Asian, 4.3%; 12 homozygotes.

Submission:

Illumina Laboratory Services, Illumina
Classification: Benign for Metachromatic leukodystrophy. Last evaluated: 2018-01-13. Review status: criteria provided, single submitter. Criteria: ICSL Variant Classification Criteria 13 December 2019. Collection method: clinical testing. Allele origin: germline.
Comment: This variant was observed in the ICSL laboratory as part of a predisposition screen in an ostensibly healthy population. It had not been previously curated by ICSL or reported in the Human Gene Mutation Database (HGMD: prior to June 1st, 2018), and was therefore a candidate for classification through an automated scoring system. Utilizing variant allele frequency, disease prevalence and penetrance estimates, and inheritance mode, an automated score was calculated to assess if this variant is too frequent to cause the disease. Based on the score and internal cut-off values, a variant classified as benign is not then subjected to further curation. The score for this variant resulted in a classification of benign for this disease.